The following is an entry in ClinVar:

NM_004393.6(DAG1):c.268A>C (p.Ser90Arg)

Gene: DAG1 (dystroglycan 1; plus strand). Cytogenetic location: 3p21.31.
Variant type: single nucleotide variant.
Coding change: c.268A>C on transcript NM_004393.6 (MANE Select); coding-DNA position 268, A replaced by C.
Protein change: p.Ser90Arg; replaces serine 90 with arginine.
Molecular consequence: missense variant.
Genome position (GRCh38, 1-based): chr3:49,510,802, A>C. VCF-style: chr3-49510802-A-C. GRCh37 (hg19) VCF-style: chr3-49548235-A-C.
Other names: c.268A>C, p.Ser90Arg (NM_001165928.4, NM_001177634.3, NM_001177635.3 and 9 more transcripts); c.268A>C (NM_004393.4); short protein forms S90R.
Identifiers: ClinVar variation 1309192 (VCV001309192.5), dbSNP rs140454570, ClinGen allele CA2398856.

ClinVar aggregate classification (germline): Uncertain significance. Review status: criteria provided, multiple submitters, no conflicts (2 of 4 stars). 3 submissions from 3 submitters: Uncertain significance (3). Last evaluated 2025-05-16.

Conditions:
Inborn genetic diseases. Identifiers: MedGen C0950123, MeSH D030342.

Allele frequency attached by ClinVar (database versions not stated): gnomAD 0.00001 and 0.00002; 1000 Genomes Project 0.00020; 1000 Genomes Project 30x 0.00016.
gnomAD v4.1: 109 of 1,614,176 alleles (0.0068%); highest among the groups gnomAD compares: South Asian, 0.12%; 2 homozygotes.

Submissions (3):

Revvity Omics, Revvity
Classification: Uncertain significance. Last evaluated: 2025-05-16. Review status: criteria provided, single submitter. Criteria: ACMG Guidelines, 2015. Collection method: clinical testing. Allele origin: germline.

Ambry Genetics
Classification: Uncertain significance for Inborn genetic diseases. Last evaluated: 2024-04-17. Review status: criteria provided, single submitter. Criteria: Ambry Variant Classification Scheme 2023. Collection method: clinical testing. Allele origin: germline.

GeneDx
Classification: Uncertain significance. Last evaluated: 2019-10-18. Review status: criteria provided, single submitter. Criteria: GeneDx Variant Classification Process June 2021. Collection method: clinical testing. Allele origin: germline. Affected: yes.
Comment: In silico analysis, which includes protein predictors and evolutionary conservation, supports a deleterious effect; Has not been previously published as pathogenic or benign to our knowledge